The following is an entry in ClinVar:

ClinVar aggregate classification (germline): Likely pathogenic (1 of 4 stars; one submission).

Submission:

Labcorp Genetics (formerly Invitae), Labcorp
Classification: Likely pathogenic. Last evaluated: 2019-12-18. Review status: criteria provided, single submitter. Criteria: Invitae Variant Classification Sherloc (09022015). Collection method: clinical testing. Allele origin: germline.
Comment: This variant results in a copy number gain of the genomic region encompassing exons 20-22 of the EYS gene. While the exact position of this variant cannot be determined from this data, sub-genic copy number gains are generally in tandem (PMID: 25640679) and may result in an absent or disrupted protein product. This variant has not been reported in the literature in individuals with EYS-related conditions. Loss-of-function variants in EYS are known to be pathogenic (PMID: 18836446, 20333770). In summary, the currently available evidence indicates that the variant is pathogenic, but additional data are needed to prove that conclusively. Therefore, this variant has been classified as Likely Pathogenic.

NC_000006.12:g.(?_64813368)_(64822832_?)dup

Gene: EYS (eyes shut homolog; minus strand). Cytogenetic location: 6q12.
Variant type: Duplication.
Identifiers: ClinVar variation 830520 (VCV000830520.1).